The following is an entry in ClinVar:

NM_001031679.3(MSRB3):c.391-7C>G

Gene: MSRB3 (methionine sulfoxide reductase B3; plus strand). Cytogenetic location: 12q14.3.
Variant type: single nucleotide variant.
Coding change: c.391-7C>G on transcript NM_001031679.3 (MANE Select); 7 bases into the intron before coding-DNA position 391, C replaced by G.
Molecular consequence: intron variant.
Genome position (GRCh38, 1-based): chr12:65,463,148, C>G. VCF-style: chr12-65463148-C-G. GRCh37 (hg19) VCF-style: chr12-65856928-C-G.
Other names: c.391-7C>G (NM_001193460.2, NM_001193461.2); c.412-7C>G (NM_198080.4, NM_198080.3).
Identifiers: ClinVar variation 1678709 (VCV001678709.4), dbSNP rs758848551, ClinGen allele CA6671522.

ClinVar aggregate classification (germline): Uncertain significance. Review status: criteria provided, single submitter (1 of 4 stars). 2 submissions from 2 submitters: Uncertain significance (1). 1 of the submissions does not count toward it. Last evaluated 2022-04-05.

Conditions:
MSRB3-related disorder. Also called: MSRB3-related condition.

Allele frequency attached by ClinVar (database versions not stated): gnomAD 0.00002; gnomAD exomes 0.00003; TOPMed 0.00004; ExAC 0.00007.
gnomAD v4.1: 42 of 1,613,932 alleles (0.0026%); highest among the groups gnomAD compares: Admixed American, 0.015%; no homozygotes.

Submissions (2):

GeneDx
Classification: Uncertain significance. Last evaluated: 2022-04-05. Review status: criteria provided, single submitter. Criteria: GeneDx Variant Classification Process June 2021. Collection method: clinical testing. Allele origin: germline. Affected: yes.
Comment: Has not been previously published as pathogenic or benign to our knowledge; In-silico analysis is inconclusive as to whether the variant alters gene splicing. In the absence of RNA/functional studies, the actual effect of this sequence change is unknown.

PreventionGenetics, part of Exact Sciences
Classification: Likely benign for MSRB3-related condition. Last evaluated: 2020-05-21. Review status: no assertion criteria provided. Collection method: clinical testing. Allele origin: germline. Not counted in ClinVar's aggregate classification.
Comment: This variant is classified as likely benign based on ACMG/AMP sequence variant interpretation guidelines (Richards et al. 2015 PMID: 25741868, with internal and published modifications).